The following is an entry in ClinVar:

ClinVar aggregate classification (germline): Conflicting classifications of pathogenicity. Review status: criteria provided, conflicting classifications (1 of 4 stars). 4 submissions from 4 submitters: Uncertain significance (1); Benign (1); Likely benign (2). Last evaluated 2026-01-27.

Conditions:
WAS-related disorder. Also called: WAS-Related Disorders; WAS-related condition. Identifiers: MedGen CN381538.
Wiskott-Aldrich syndrome (WAS). Also called: ALDRICH SYNDROME; IMMUNODEFICIENCY 2; Wiskott-aldrich syndrome, somatic; WISKOTT-ALDRICH SYNDROME 1. Identifiers: Orphanet 906, MedGen C0043194, MONDO:0010518, OMIM 301000.
X-linked severe congenital neutropenia (SCNX). Identifiers: Orphanet 86788, MedGen C1845987, MONDO:0010294, OMIM 300299.
Thrombocytopenia 1. Also called: THROMBOCYTOPENIA, X-LINKED, 1; X-Linked Thrombocytopenia (XLT); X-linked thrombocytopenia with normal platelets. Identifiers: Orphanet 268322, Orphanet 852, MedGen C1839163, MONDO:0010743, OMIM 313900.

Allele frequency attached by ClinVar (database versions not stated): gnomAD exomes 0.00004 and 0.00008; gnomAD 0.00005 and 0.00006; TOPMed 0.00008; ExAC 0.00014.
gnomAD v4.1: 55 of 1,201,938 alleles (0.0046%); highest among the groups gnomAD compares: Middle Eastern, 0.023%; no homozygotes.

Submissions (4):

Labcorp Genetics (formerly Invitae), Labcorp
Classification: Benign for Wiskott-Aldrich syndrome; X-linked severe congenital neutropenia; Thrombocytopenia 1. Last evaluated: 2026-01-27. Review status: criteria provided, single submitter. Criteria: Invitae Variant Classification Sherloc (09022015). Collection method: clinical testing. Allele origin: germline.

Mayo Clinic Laboratories, Mayo Clinic
Classification: Likely benign. Last evaluated: 2025-04-16. Review status: criteria provided, single submitter. Criteria: ACMG Guidelines, 2015. Collection method: clinical testing. Allele origin: germline. Observed: 1 variant allele.
Comment: BS1, BS2, PM1

PreventionGenetics, part of Exact Sciences
Classification: Uncertain significance for WAS-related condition. Last evaluated: 2024-12-23. Review status: criteria provided, single submitter. Criteria: ACMG Guidelines, 2015. Collection method: clinical testing. Allele origin: germline.
Comment: The WAS c.724A>T variant is predicted to result in the amino acid substitution p.Ser242Cys. This variant was reported in an individual with thrombocytopaenia (Albert et al. 2010. PubMed ID: 20173115). This variant is reported in 0.018% of alleles in individuals of European (Non-Finnish) descent in gnomAD, including 5 homozygotes. Although we suspect that this variant may be benign, at this time, the clinical significance of this variant is uncertain due to the absence of conclusive functional and genetic evidence.

CeGaT Center for Human Genetics Tuebingen
Classification: Likely benign. Last evaluated: 2021-11-01. Review status: criteria provided, single submitter. Criteria: CeGaT Center For Human Genetics Tuebingen Variant Classification Criteria Version 2. Collection method: clinical testing. Allele origin: germline. Affected: yes. Observed: 1 variant allele.

Literature cited by the submitters: PubMed 20173115 (cited by Mayo Clinic Laboratories, Mayo Clinic).

NM_000377.3(WAS):c.724A>T (p.Ser242Cys)

Gene: WAS (WASP actin nucleation promoting factor; plus strand). Cytogenetic location: Xp11.23.
Variant type: single nucleotide variant.
Coding change: c.724A>T on transcript NM_000377.3 (MANE Select); coding-DNA position 724, A replaced by T.
Protein change: p.Ser242Cys; replaces serine 242 with cysteine.
Molecular consequence: missense variant.
Genome position (GRCh38, 1-based): chrX:48,686,945, A>T. VCF-style: chrX-48686945-A-T. GRCh37 (hg19) VCF-style: chrX-48545334-A-T.
Other names: p.Ser242Cys; c.724A>T (NM_000377.2); short protein forms S242C.
Identifiers: ClinVar variation 1169339 (VCV001169339.45), dbSNP rs782286374, ClinGen allele CA10403969.